The following is an entry in ClinVar:

ClinVar aggregate classification (germline): Uncertain significance (1 of 4 stars; one submission).

Conditions:
Charcot-Marie-Tooth disease type 4. Also called: Charcot-Marie-Tooth disease, type IV; Charcot-Marie-Tooth, Type 4. Identifiers: Orphanet 64749, MedGen C4082197, MONDO:0018995.

Allele frequency attached by ClinVar (database versions not stated): TOPMed 0.00005.
gnomAD v4.1: 3 of 1,586,792 alleles (0.00019%); highest among the groups gnomAD compares: African/African-American, 0.0027%; no homozygotes.

Submission:

Labcorp Genetics (formerly Invitae), Labcorp
Classification: Uncertain significance for Charcot-Marie-Tooth disease type 4. Last evaluated: 2019-09-06. Review status: criteria provided, single submitter. Criteria: Invitae Variant Classification Sherloc (09022015). Collection method: clinical testing. Allele origin: germline.
Comment: In summary, the available evidence is currently insufficient to determine the role of this variant in disease. Therefore, it has been classified as a Variant of Uncertain Significance. Algorithms developed to predict the effect of missense changes on protein structure and function are either unavailable or do not agree on the potential impact of this missense change (SIFT: "Tolerated"; PolyPhen-2: "Possibly Damaging"; Align-GVGD: "Class C0"). This variant has not been reported in the literature in individuals with PRX-related conditions. This variant is not present in population databases (ExAC no frequency). This sequence change replaces arginine with proline at codon 45 of the PRX protein (p.Arg45Pro). The arginine residue is highly conserved and there is a moderate physicochemical difference between arginine and proline.

NM_181882.3(PRX):c.134G>C (p.Arg45Pro)

Genes: PRX (periaxin; minus strand), LOC130064454 (ATAC-STARR-seq lymphoblastoid active region 14650; plus strand). Cytogenetic location: 19q13.2.
Variant type: single nucleotide variant.
Coding change: c.134G>C on transcript NM_181882.3 (MANE Select); coding-DNA position 134, G replaced by C.
Protein change: p.Arg45Pro; replaces arginine 45 with proline.
Molecular consequence: missense variant.
Genome position (GRCh38, 1-based): chr19:40,403,756, C>G on the plus strand (G>C on the coding strand, the complement: PRX is on the minus strand). VCF-style: chr19-40403756-C-G. GRCh37 (hg19) VCF-style: chr19-40909663-C-G.
Other names: c.134G>C, p.Arg45Pro (NM_020956.2); short protein forms R45P.
Identifiers: ClinVar variation 943889 (VCV000943889.10), dbSNP rs751441856, ClinGen allele CA308426102.
Genomic context (GRCh38, chr19:40,403,756, plus strand): 5'-GCCCGCCCACCTTCCTGCAGGCTGAGGCTCCTGGCGGCGGGTGAGTCCTCGCGCAGCTCC[C>G]GAACGAAGATTCCCTCTTTGCCGCCGCCCGCTACGTTGATGCCGCTGACCCCGGTCTGCG-3'
Protein context (NP_870998.2, residues 35-55): AGGGKEGIFV[Arg45Pro]ELREDSPAAR